The following is an entry in ClinVar:

NM_020247.5(COQ8A):c.1797C>T (p.Leu599=)

Gene: COQ8A (coenzyme Q8A; plus strand). Cytogenetic location: 1q42.13.
Variant type: single nucleotide variant.
Coding change: c.1797C>T on transcript NM_020247.5 (MANE Select); coding-DNA position 1797, C replaced by T.
Protein change: p.Leu599=; no amino-acid change (leucine 599 retained).
Molecular consequence: synonymous variant.
Genome position (GRCh38, 1-based): chr1:226,986,590, C>T. VCF-style: chr1-226986590-C-T. GRCh37 (hg19) VCF-style: chr1-227174291-C-T.
Identifiers: ClinVar variation 446793 (VCV000446793.15), dbSNP rs139551241, ClinGen allele CA1425669.

ClinVar aggregate classification (germline): Benign/Likely benign. Review status: criteria provided, multiple submitters, no conflicts (2 of 4 stars). 4 submissions from 4 submitters: Benign (2); Likely benign (1). 1 of the submissions does not count toward it. Last evaluated 2026-01-21.

Conditions:
COQ8A-related disorder. Also called: COQ8A-related condition.
Autosomal recessive ataxia due to ubiquinone deficiency. Also called: SPINOCEREBELLAR ATAXIA, AUTOSOMAL RECESSIVE 9; Coenzyme Q10 deficiency, primary, 4. Identifiers: Orphanet 139485, MedGen C2677589, MONDO:0012784, OMIM 612016.

Allele frequency attached by ClinVar (database versions not stated): gnomAD exomes 0.00009 and 0.00024; ExAC 0.00028; gnomAD 0.00070; 1000 Genomes Project 30x 0.00078; 1000 Genomes Project 0.00080; ESP Exome Variant Server 0.00092; TOPMed 0.00113.
gnomAD v4.1: 264 of 1,613,888 alleles (0.016%); highest among the groups gnomAD compares: African/African-American, 0.32%; no homozygotes.

Submissions (4):

Labcorp Genetics (formerly Invitae), Labcorp
Classification: Benign. Last evaluated: 2026-01-21. Review status: criteria provided, single submitter. Criteria: Invitae Variant Classification Sherloc (09022015). Collection method: clinical testing. Allele origin: germline.

Athena Diagnostics
Classification: Benign. Last evaluated: 2024-04-24. Review status: criteria provided, single submitter. Criteria: Athena Diagnostics Criteria. Collection method: clinical testing. Allele origin: unknown.

Fulgent Genetics
Classification: Likely benign for Autosomal recessive ataxia due to ubiquinone deficiency. Last evaluated: 2021-10-13. Review status: criteria provided, single submitter. Criteria: ACMG Guidelines, 2015. Collection method: clinical testing. Allele origin: unknown.

PreventionGenetics, part of Exact Sciences
Classification: Likely benign for COQ8A-related condition. Last evaluated: 2019-08-23. Review status: no assertion criteria provided. Collection method: clinical testing. Allele origin: germline. Not counted in ClinVar's aggregate classification.
Comment: This variant is classified as likely benign based on ACMG/AMP sequence variant interpretation guidelines (Richards et al. 2015 PMID: 25741868, with internal and published modifications).